The following is an entry in ClinVar:

NM_000091.5(COL4A3):c.638G>C (p.Gly213Ala)

Genes: COL4A3 (collagen type IV alpha 3 chain; plus strand), MFF-DT (MFF divergent transcript; minus strand). Cytogenetic location: 2q36.3.
Variant type: single nucleotide variant.
Coding change: c.638G>C on transcript NM_000091.5 (MANE Select); coding-DNA position 638, G replaced by C.
Protein change: p.Gly213Ala; replaces glycine 213 with alanine.
Molecular consequence: missense variant.
Genome position (GRCh38, 1-based): chr2:227,251,364, G>C. VCF-style: chr2-227251364-G-C. GRCh37 (hg19) VCF-style: chr2-228116080-G-C.
Other names: short protein forms G213A.
Identifiers: ClinVar variation 4817273 (VCV004817273.1).

ClinVar aggregate classification (germline): Likely pathogenic (1 of 4 stars; one submission).

Conditions:
Alport syndrome. Also called: Hemorrhagic familial nephritis; Hemorrhagic hereditary nephritis; Congenital hereditary hematuria. Identifiers: Orphanet 63, MedGen C1567741, MONDO:0018965.

Submission:

Natera, Inc.
Classification: Likely pathogenic for Alport syndrome. Last evaluated: 2025-08-26. Review status: criteria provided, single submitter. Criteria: Natera Variant Classification Schema (03/2026). Collection method: clinical testing. Allele origin: germline.
Comment: The c.638G>C variant in COL4A3 is a missense variant predicted to cause substitution of glycine to alanine at amino acid 213. This variant is rare in the general population with a frequency below the threshold expected for the associated phenotype(s). This variant is located in a functionally critical region of the protein. Computational prediction algorithms indicate this variant is likely to affect gene or protein function. Given the available evidence, this variant is classified as Likely Pathogenic.